The following is an entry in ClinVar:

ClinVar aggregate classification (germline): Uncertain significance (1 of 4 stars; one submission).

Submission:

Labcorp Genetics (formerly Invitae), Labcorp
Classification: Uncertain significance. Last evaluated: 2022-02-27. Review status: criteria provided, single submitter. Criteria: Invitae Variant Classification Sherloc (09022015). Collection method: clinical testing. Allele origin: germline.
Comment: In summary, the available evidence is currently insufficient to determine the role of this variant in disease. Therefore, it has been classified as a Variant of Uncertain Significance. Algorithms developed to predict the effect of missense changes on protein structure and function output the following: SIFT: "Tolerated"; PolyPhen-2: "Benign"; Align-GVGD: "Class C0". The serine amino acid residue is found in multiple mammalian species, which suggests that this missense change does not adversely affect protein function. This variant has not been reported in the literature in individuals affected with MCM3AP-related conditions. This variant is not present in population databases (gnomAD no frequency). This sequence change replaces proline, which is neutral and non-polar, with serine, which is neutral and polar, at codon 224 of the MCM3AP protein (p.Pro224Ser).

NM_003906.5(MCM3AP):c.670C>T (p.Pro224Ser)

Gene: MCM3AP (minichromosome maintenance complex component 3 associated protein; minus strand). Cytogenetic location: 21q22.3.
Variant type: single nucleotide variant.
Coding change: c.670C>T on transcript NM_003906.5 (MANE Select); coding-DNA position 670, C replaced by T.
Protein change: p.Pro224Ser; replaces proline 224 with serine.
Molecular consequence: missense variant.
Genome position (GRCh38, 1-based): chr21:46,284,617, G>A on the plus strand (C>T on the coding strand, the complement: MCM3AP is on the minus strand). VCF-style: chr21-46284617-G-A. GRCh37 (hg19) VCF-style: chr21-47704531-G-A.
Other names: short protein forms P224S.
Identifiers: ClinVar variation 1934308 (VCV001934308.5), dbSNP rs756502213, ClinGen allele CA410535712.
Genomic context (GRCh38, chr21:46,284,617, plus strand): 5'-TTCCAAATATTGACTTAGGTCCTCTCTTCTCTTCCTCTACATTTTGGTTTGACAAAGCAG[G>A]GGTAAAGGCAGATAATGAATTATTACTACTAACAGGTTTTGAAAAGGTAAAATTTGAAGT-3'
Protein context (NP_003897.2, residues 214-234): SSNNSLSAFT[Pro224Ser]ALSNQNVEEE